The following is an entry in ClinVar:

ClinVar aggregate classification (germline): Benign. Review status: criteria provided, multiple submitters, no conflicts (2 of 4 stars). 2 submissions from 2 submitters: Benign (2). Last evaluated 2018-06-19.

Allele frequency attached by ClinVar (database versions not stated): TOPMed 0.18658; 1000 Genomes Project 30x 0.19363; gnomAD 0.19438 and 0.19484; gnomAD exomes 0.19702; 1000 Genomes Project 0.19888.
gnomAD v4.1: 215,585 of 1,096,752 alleles (20%); highest among the groups gnomAD compares: East Asian, 27%; 21,996 homozygotes.

Submissions (2):

GeneDx
Classification: Benign. Last evaluated: 2018-06-19. Review status: criteria provided, single submitter. Criteria: GeneDx Variant Classification (06012015). Collection method: clinical testing. Allele origin: germline. Affected: yes.
Comment: This variant is considered likely benign or benign based on one or more of the following criteria: it is a conservative change, it occurs at a poorly conserved position in the protein, it is predicted to be benign by multiple in silico algorithms, and/or has population frequency not consistent with disease.

Breakthrough Genomics
Classification: Benign. Review status: criteria provided, single submitter. Criteria: ACMG Guidelines, 2015. Collection method: not provided. Allele origin: germline. Inheritance: Autosomal recessive inheritance. Affected: yes.

NM_002474.3(MYH11):c.727-107C>T

Gene: MYH11 (myosin heavy chain 11; minus strand). Cytogenetic location: 16p13.11.
Variant type: single nucleotide variant.
Coding change: c.727-107C>T on transcript NM_002474.3 (MANE Select); 107 bases into the intron before coding-DNA position 727, C replaced by T.
Molecular consequence: intron variant.
Genome position (GRCh38, 1-based): chr16:15,778,950, G>A on the plus strand (C>T on the coding strand, the complement: MYH11 is on the minus strand). VCF-style: chr16-15778950-G-A. GRCh37 (hg19) VCF-style: chr16-15872807-G-A.
Other names: c.727-107C>T (NM_022844.3); c.748-107C>T (NM_001040114.2, NM_001040113.2).
Identifiers: ClinVar variation 673793 (VCV000673793.2), dbSNP rs11645883, ClinGen allele CA14241626.